The following is an entry in ClinVar:

NM_001367561.1(DOCK7):c.2225C>G (p.Ala742Gly)

Gene: DOCK7 (dedicator of cytokinesis 7; minus strand). Cytogenetic location: 1p31.3.
Variant type: single nucleotide variant.
Coding change: c.2225C>G on transcript NM_001367561.1 (MANE Select); coding-DNA position 2225, C replaced by G.
Protein change: p.Ala742Gly; replaces alanine 742 with glycine.
Molecular consequence: missense variant.
Genome position (GRCh38, 1-based): chr1:62,559,195, G>C on the plus strand (C>G on the coding strand, the complement: DOCK7 is on the minus strand). VCF-style: chr1-62559195-G-C. GRCh37 (hg19) VCF-style: chr1-63024866-G-C.
Other names: c.2225C>G, p.Ala742Gly (NM_001271999.2, NM_001272000.2, NM_001272001.2 and 2 more transcripts); short protein forms A742G.
Identifiers: ClinVar variation 2125917 (VCV002125917.4), dbSNP rs1646241298, ClinGen allele CA340627446.

ClinVar aggregate classification (germline): Uncertain significance (1 of 4 stars; one submission).

Conditions:
Developmental and epileptic encephalopathy, 23 (DEE23). Also called: Epileptic encephalopathy, early infantile, 23. Identifiers: Orphanet 411986, MedGen C4014492, MONDO:0014371, OMIM 615859.

Allele frequency attached by ClinVar (database versions not stated): gnomAD 0.00001.
gnomAD v4.1: 1 of 1,611,152 alleles (0.000062%); highest among the groups gnomAD compares: African/African-American, 0.0013%; no homozygotes.

Submission:

Labcorp Genetics (formerly Invitae), Labcorp
Classification: Uncertain significance for Developmental and epileptic encephalopathy, 23. Last evaluated: 2022-04-13. Review status: criteria provided, single submitter. Criteria: Invitae Variant Classification Sherloc (09022015). Collection method: clinical testing. Allele origin: germline.
Comment: In summary, the available evidence is currently insufficient to determine the role of this variant in disease. Therefore, it has been classified as a Variant of Uncertain Significance. Algorithms developed to predict the effect of missense changes on protein structure and function (SIFT, PolyPhen-2, Align-GVGD) all suggest that this variant is likely to be tolerated. This variant has not been reported in the literature in individuals affected with DOCK7-related conditions. This variant is not present in population databases (gnomAD no frequency). This sequence change replaces alanine, which is neutral and non-polar, with glycine, which is neutral and non-polar, at codon 742 of the DOCK7 protein (p.Ala742Gly).